The following is an entry in ClinVar:

ClinVar aggregate classification (germline): Uncertain significance. Review status: criteria provided, multiple submitters, no conflicts (2 of 4 stars). 2 submissions from 2 submitters: Uncertain significance (2). Last evaluated 2024-09-04.

Conditions:
Deficiency of UDPglucose-hexose-1-phosphate uridylyltransferase. Also called: Transferase Deficiency Galactosemia; GALT deficiency; Galactosemia, classic; GALACTOSE-1-PHOSPHATE URIDYLYLTRANSFERASE DEFICIENCY; GALACTOSEMIA I. Identifiers: Orphanet 352, Orphanet 79239, MedGen C0268151, MONDO:0009258, OMIM 230400.

Submissions (2):

Mayo Clinic Laboratories, Mayo Clinic
Classification: Uncertain significance. Last evaluated: 2024-09-04. Review status: criteria provided, single submitter. Criteria: ACMG Guidelines, 2015. Collection method: clinical testing. Allele origin: germline. Observed: 1 variant allele.
Comment: PP3, PP4, PM2

Labcorp Genetics (formerly Invitae), Labcorp
Classification: Uncertain significance for Deficiency of UDPglucose-hexose-1-phosphate uridylyltransferase. Last evaluated: 2021-08-20. Review status: criteria provided, single submitter. Criteria: Invitae Variant Classification Sherloc (09022015). Collection method: clinical testing. Allele origin: germline.
Comment: This sequence change replaces leucine with phenylalanine at codon 326 of the GALT protein (p.Leu326Phe). The leucine residue is highly conserved and there is a small physicochemical difference between leucine and phenylalanine. This variant is not present in population databases (ExAC no frequency). This variant has not been reported in the literature in individuals affected with GALT-related conditions. Algorithms developed to predict the effect of missense changes on protein structure and function are either unavailable or do not agree on the potential impact of this missense change (SIFT: "Deleterious"; PolyPhen-2: "Probably Damaging"; Align-GVGD: "Class C0"). In summary, the available evidence is currently insufficient to determine the role of this variant in disease. Therefore, it has been classified as a Variant of Uncertain Significance.

NM_000155.4(GALT):c.976C>T (p.Leu326Phe)

Gene: GALT (galactose-1-phosphate uridylyltransferase; plus strand). Cytogenetic location: 9p13.3.
Variant type: single nucleotide variant.
Coding change: c.976C>T on transcript NM_000155.4 (MANE Select); coding-DNA position 976, C replaced by T.
Protein change: p.Leu326Phe; replaces leucine 326 with phenylalanine.
Molecular consequence: missense variant.
Genome position (GRCh38, 1-based): chr9:34,649,481, C>T. VCF-style: chr9-34649481-C-T. GRCh37 (hg19) VCF-style: chr9-34649478-C-T.
Other names: p.Leu326Phe; c.649C>T, p.Leu217Phe (NM_001258332.2); short protein forms L217F, L326F.
Identifiers: ClinVar variation 836580 (VCV000836580.8), dbSNP rs1821199784, ClinGen allele CA373284990.